The following is an entry in ClinVar:

ClinVar aggregate classification (germline): Conflicting classifications of pathogenicity. Review status: criteria provided, conflicting classifications (1 of 4 stars). 3 submissions from 3 submitters: Uncertain significance (1); Likely benign (1). 1 of the submissions does not count toward it. Last evaluated 2026-01-11.

Conditions:
Galactosylceramide beta-galactosidase deficiency. Also called: Leukodystrophy, Globoid Cell; Krabbe Disease; GALACTOCEREBROSIDASE DEFICIENCY; GALC DEFICIENCY; GLOBOID CELL LEUKOENCEPHALOPATHY. Identifiers: Orphanet 487, MedGen C0023521, MONDO:0009499, OMIM 245200.
GALC-related disorder. Also called: GALC-related condition.

Allele frequency attached by ClinVar (database versions not stated): gnomAD exomes 0.00001 and 0.00003; ExAC 0.00002; gnomAD 0.00014 and 0.00017; TOPMed 0.00032.
gnomAD v4.1: 44 of 1,613,704 alleles (0.0027%); highest among the groups gnomAD compares: Admixed American, 0.048%; no homozygotes.

Submissions (3):

Labcorp Genetics (formerly Invitae), Labcorp
Classification: Likely benign for Galactosylceramide beta-galactosidase deficiency. Last evaluated: 2026-01-11. Review status: criteria provided, single submitter. Criteria: Invitae Variant Classification Sherloc (09022015). Collection method: clinical testing. Allele origin: germline.

Illumina Laboratory Services, Illumina
Classification: Uncertain significance for Galactosylceramide beta-galactosidase deficiency. Last evaluated: 2018-01-13. Review status: criteria provided, single submitter. Criteria: ICSL Variant Classification Criteria 13 December 2019. Collection method: clinical testing. Allele origin: germline.

PreventionGenetics, part of Exact Sciences
Classification: Likely benign for GALC-related condition. Last evaluated: 2019-06-17. Review status: no assertion criteria provided. Collection method: clinical testing. Allele origin: germline. Not counted in ClinVar's aggregate classification.
Comment: This variant is classified as likely benign based on ACMG/AMP sequence variant interpretation guidelines (Richards et al. 2015 PMID: 25741868, with internal and published modifications).

NM_000153.4(GALC):c.708C>T (p.Ser236=)

Gene: GALC (galactosylceramidase; minus strand). Cytogenetic location: 14q31.3.
Variant type: single nucleotide variant.
Coding change: c.708C>T on transcript NM_000153.4 (MANE Select); coding-DNA position 708, C replaced by T.
Protein change: p.Ser236=; no amino-acid change (serine 236 retained).
Molecular consequence: synonymous variant.
Genome position (GRCh38, 1-based): chr14:87,976,402, G>A on the plus strand (C>T on the coding strand, the complement: GALC is on the minus strand). VCF-style: chr14-87976402-G-A. GRCh37 (hg19) VCF-style: chr14-88442746-G-A.
Other names: c.639C>T, p.Ser213= (NM_001201401.2); c.630C>T, p.Ser210= (NM_001201402.2).
Identifiers: ClinVar variation 886503 (VCV000886503.15), dbSNP rs773666802, ClinGen allele CA7297271.